The following is an entry in ClinVar:

NM_016203.4(PRKAG2):c.1006-5T>A

Gene: PRKAG2 (protein kinase AMP-activated non-catalytic subunit gamma 2; minus strand). Cytogenetic location: 7q36.1.
Variant type: single nucleotide variant.
Coding change: c.1006-5T>A on transcript NM_016203.4 (MANE Select); 5 bases into the intron before coding-DNA position 1006, T replaced by A.
Molecular consequence: intron variant.
Genome position (GRCh38, 1-based): chr7:151,572,714, A>T on the plus strand (T>A on the coding strand, the complement: PRKAG2 is on the minus strand). VCF-style: chr7-151572714-A-T. GRCh37 (hg19) VCF-style: chr7-151269800-A-T.
Other names: c.874-5T>A (NM_001040633.2); c.631-5T>A (NM_001304527.2); c.634-5T>A (NM_001363698.2); c.283-5T>A (NM_001304531.2, NM_024429.2).
Identifiers: ClinVar variation 927097 (VCV000927097.3), dbSNP rs1807870439, ClinGen allele CA1139660346.
Genomic context (GRCh38, chr7:151,572,714, plus strand): 5'-TAGTGCTTACCCCTCCATGTTTCAATTTTATGTTCCTCTAATTCATAAATCTGTACCTGC[A>T]AATAAAAAAATTCTTATTTATAAATATACATATACAACATAGAAAAAATATTTGGAAAAT-3'

ClinVar aggregate classification (germline): Uncertain significance (1 of 4 stars; one submission).

Conditions:
Cardiomyopathy (CMYO). Also called: Cardiomyopathies. Identifiers: Orphanet 167848, MedGen C0878544, MONDO:0004994, HP:0001638. Inheritance: Various modes of inheritance.

Submission:

Color Diagnostics, LLC DBA Color Health
Classification: Uncertain significance for Cardiomyopathy. Last evaluated: 2019-12-23. Review status: criteria provided, single submitter. Criteria: ACMG Guidelines, 2015. Collection method: clinical testing. Allele origin: germline.
Comment: This variant causes a T>A nucleotide substitution at the -5 position of intron 8 of the PRKAG2 gene. Splice site prediction tools and conservation analysis are inconclusive regarding the impact of this variant on RNA splicing. To our knowledge, functional studies have not been performed for this variant. This variant has not been reported in individuals affected with cardiovascular disorders in the literature. This variant has not been identified in the general population by the Genome Aggregation Database (gnomAD). The available evidence is insufficient to determine the role of this variant in disease conclusively. Therefore, this variant is classified as a Variant of Uncertain Significance.